The following is an entry in ClinVar:

NM_006031.6(PCNT):c.5710G>A (p.Ala1904Thr)

Gene: PCNT (pericentrin; plus strand). Cytogenetic location: 21q22.3.
Variant type: single nucleotide variant.
Coding change: c.5710G>A on transcript NM_006031.6 (MANE Select); coding-DNA position 5710, G replaced by A.
Protein change: p.Ala1904Thr; replaces alanine 1904 with threonine.
Molecular consequence: missense variant.
Genome position (GRCh38, 1-based): chr21:46,411,783, G>A. VCF-style: chr21-46411783-G-A. GRCh37 (hg19) VCF-style: chr21-47831697-G-A.
Other names: c.5356G>A, p.Ala1786Thr (NM_001315529.2); short protein forms A1904T, A1786T.
Identifiers: ClinVar variation 382740 (VCV000382740.22), dbSNP rs200426591, ClinGen allele CA10080072.

ClinVar aggregate classification (germline): Benign/Likely benign. Review status: criteria provided, multiple submitters, no conflicts (2 of 4 stars). 5 submissions from 5 submitters: Benign (2); Likely benign (3). Last evaluated 2026-01-28.

Conditions:
Microcephalic osteodysplastic primordial dwarfism type II (MOPD2). Also called: Microcephalic osteodysplastic primordial dwarfism with tooth abnormalities; OSTEODYSPLASTIC PRIMORDIAL DWARFISM, TYPE II; MOPD II. Identifiers: Orphanet 2637, MedGen C0432246, MONDO:0008872, OMIM 210720.

Allele frequency attached by ClinVar (database versions not stated): ESP Exome Variant Server 0.00018; TOPMed 0.00087; gnomAD 0.00188 and 0.00204; 1000 Genomes Project 30x 0.00234; 1000 Genomes Project 0.00280; ExAC 0.00284.
gnomAD v4.1: 1,942 of 1,602,802 alleles (0.12%); highest among the groups gnomAD compares: East Asian, 1.1%; 17 homozygotes.

Submissions (5):

Labcorp Genetics (formerly Invitae), Labcorp
Classification: Benign. Last evaluated: 2026-01-28. Review status: criteria provided, single submitter. Criteria: Invitae Variant Classification Sherloc (09022015). Collection method: clinical testing. Allele origin: germline.

CeGaT Center for Human Genetics Tuebingen
Classification: Likely benign. Last evaluated: 2025-12-01. Review status: criteria provided, single submitter. Criteria: CeGaT Center For Human Genetics Tuebingen Variant Classification Criteria Version 2. Collection method: clinical testing. Allele origin: germline. Affected: yes. Observed: 1 variant allele.
Comment: PCNT: BP4, BS1

Blueprint Genetics
Classification: Likely benign. Last evaluated: 2024-11-25. Review status: criteria provided, single submitter. Criteria: ACMG Guidelines, 2015. Collection method: clinical testing. Allele origin: germline.

GeneDx
Classification: Likely benign. Last evaluated: 2020-01-07. Review status: criteria provided, single submitter. Criteria: GeneDx Variant Classification Process June 2021. Collection method: clinical testing. Allele origin: germline. Affected: yes.

Illumina Laboratory Services, Illumina
Classification: Benign for Microcephalic osteodysplastic primordial dwarfism type II. Last evaluated: 2017-04-27. Review status: criteria provided, single submitter. Criteria: ICSL Variant Classification Criteria 13 December 2019. Collection method: clinical testing. Allele origin: germline.
Comment: This variant was observed as part of a predisposition screen in an ostensibly healthy population. A literature search was performed for the gene, cDNA change, and amino acid change (where applicable). No publications were found based on this search. Allele frequency data from public databases was too high to be consistent with this variant causing disease. Therefore, this variant is classified as benign.